The following is an entry in ClinVar:

ClinVar aggregate classification (germline): Uncertain significance (1 of 4 stars; one submission).

Conditions:
Hereditary cancer-predisposing syndrome. Also called: Tumor predisposition; Hereditary Cancer Syndrome; Hereditary neoplastic syndrome; Neoplastic Syndromes, Hereditary. Identifiers: Orphanet 140162, MedGen C0027672, MeSH D009386, MONDO:0015356.

Submission:

Ambry Genetics
Classification: Uncertain significance for Hereditary cancer-predisposing syndrome. Last evaluated: 2023-06-27. Review status: criteria provided, single submitter. Criteria: Ambry Variant Classification Scheme 2023. Collection method: clinical testing. Allele origin: germline.
Comment: The p.H1810N variant (also known as c.5428C>A), located in coding exon 40 of the POLE gene, results from a C to A substitution at nucleotide position 5428. The histidine at codon 1810 is replaced by asparagine, an amino acid with similar properties. This amino acid position is conserved. In addition, this alteration is predicted to be tolerated by in silico analysis. Since supporting evidence is limited at this time, the clinical significance of this alteration remains unclear.

NM_006231.4(POLE):c.5428C>A (p.His1810Asn)

Gene: POLE (DNA polymerase epsilon, catalytic subunit; minus strand). Cytogenetic location: 12q24.33.
Variant type: single nucleotide variant.
Coding change: c.5428C>A on transcript NM_006231.4 (MANE Select); coding-DNA position 5428, C replaced by A.
Protein change: p.His1810Asn; replaces histidine 1810 with asparagine.
Molecular consequence: missense variant.
Genome position (GRCh38, 1-based): chr12:132,639,249, G>T on the plus strand (C>A on the coding strand, the complement: POLE is on the minus strand). VCF-style: chr12-132639249-G-T. GRCh37 (hg19) VCF-style: chr12-133215835-G-T.
Other names: short protein forms H1810N.
Identifiers: ClinVar variation 2620640 (VCV002620640.2), dbSNP rs2138510636, ClinGen allele CA387374909.
Genomic context (GRCh38, chr12:132,639,249, plus strand): 5'-AGGATGGCGACCGAAGCCAGCGGTAGAAGTGCATCACCTGGTTGTCTGCATAGATGTTGT[G>T]GTACTGGGTGATCTCCTTCACCCAGCCCACGACCATGCTCTTCAGGATCCTGAAAGAGAA-3'
Protein context (NP_006222.2, residues 1800-1820): VGWVKEITQY[His1810Asn]NIYADNQVMH